The following is an entry in ClinVar:

NM_000548.5(TSC2):c.3010G>A (p.Asp1004Asn)

Gene: TSC2 (TSC complex subunit 2; plus strand). Cytogenetic location: 16p13.3.
Variant type: single nucleotide variant.
Coding change: c.3010G>A on transcript NM_000548.5 (MANE Select); coding-DNA position 3010, G replaced by A.
Protein change: p.Asp1004Asn; replaces aspartic acid 1004 with asparagine.
Molecular consequence: missense variant. On other transcripts: non-coding transcript variant (5).
Genome position (GRCh38, 1-based): chr16:2,079,075, G>A. VCF-style: chr16-2079075-G-A. GRCh37 (hg19) VCF-style: chr16-2129076-G-A.
Other names: c.2878G>A, p.Asp960Asn (NM_001077183.3, NM_001370404.1, NM_001406665.1); c.3010G>A, p.Asp1004Asn (NM_001114382.3); c.2770G>A, p.Asp924Asn (NM_001318827.2); c.2734G>A, p.Asp912Asn (NM_001318829.2); c.2278G>A, p.Asp760Asn (NM_001318831.2, NM_001406687.1, NM_001406688.1); c.2911G>A, p.Asp971Asn (NM_001318832.2); c.2881G>A, p.Asp961Asn (NM_001363528.2, NM_001370405.1, NM_021055.3); c.3007G>A, p.Asp1003Asn (NM_001406663.1, NM_001406664.1); and 18 more; short protein forms D1003N, D1004N, D426N, D512N, D513N, D556N, D760N, D761N.
Identifiers: ClinVar variation 3232130 (VCV003232130.1), dbSNP rs2151431461, ClinGen allele CA394283835.

ClinVar aggregate classification (germline): Uncertain significance (1 of 4 stars; one submission).

Conditions:
Hereditary cancer-predisposing syndrome. Also called: Neoplastic Syndromes, Hereditary; Tumor predisposition; Hereditary neoplastic syndrome; Hereditary Cancer Syndrome. Identifiers: Orphanet 140162, MedGen C0027672, MeSH D009386, MONDO:0015356.

Submission:

Ambry Genetics
Classification: Uncertain significance for Hereditary cancer-predisposing syndrome. Last evaluated: 2022-12-18. Review status: criteria provided, single submitter. Criteria: Ambry Variant Classification Scheme 2023. Collection method: clinical testing. Allele origin: germline.
Comment: The p.D1004N variant (also known as c.3010G>A), located in coding exon 26 of the TSC2 gene, results from a G to A substitution at nucleotide position 3010. The aspartic acid at codon 1004 is replaced by asparagine, an amino acid with highly similar properties. This amino acid position is conserved. In addition, the in silico prediction for this alteration is inconclusive. Since supporting evidence is limited at this time, the clinical significance of this alteration remains unclear.